The following is an entry in ClinVar:

ClinVar aggregate classification (somatic clinical impact): Tier II - Potential (1 of 4 stars; one submission).

Conditions:
Posterior fossa group A ependymoma. Identifiers: MedGen C5670548, MONDO:0956992.

Submission:

Institute for Genomic Medicine (IGM) Clinical Laboratory, Nationwide Children's Hospital
Classification: Tier II - Potential for Posterior fossa group A ependymoma. Assertion type: diagnostic. Clinical significance: supports diagnosis. Last evaluated: 2025-10-02. Review status: criteria provided, single submitter. Criteria: AMP/ASCO/CAP Guidelines, 2017. Collection method: clinical testing. Allele origin: somatic. Affected: yes.
Comment: Variant has Tier II (potential) clinical significance as a diagnostic inclusion criterion in posterior fossa group A ependymoma, based on the following evidence: 1) Documented in one or more cancer databases (e.g., St. Jude Pecan, COSMIC, CIViC, OncoKB). 2) Information in the literature supports potential biologic effect of variant. 3) Assists in diagnosis alone or along with other biomarkers based on small studies or few case reports (Evidence Level D; PMIDs: 35100716, 31693904, 28007021, 23592488, 34301788).

Literature cited by the submitters: PubMed 35100716; PubMed 31693904; PubMed 28007021; PubMed 23592488; PubMed 34301788.

NM_001123385.2(BCOR):c.1176del (p.Lys392fs)

Genes: BCOR (BCL6 corepressor; minus strand), LOC126863239 (MED14-independent group 3 enhancer GRCh37_chrX:39932994-39934193; plus strand). Cytogenetic location: Xp11.4.
Variant type: Deletion.
Coding change: c.1176del on transcript NM_001123385.2 (MANE Select); coding-DNA position 1176, one base deleted (G; older notation c.1176delG).
Protein change: p.Lys392fs; shifts the reading frame from lysine 392.
Molecular consequence: frameshift variant.
Genome position (GRCh38, 1-based): chrX:40,074,170, C deleted on the plus strand (G on the coding strand, the reverse complement: BCOR is on the minus strand). VCF-style (leftmost placement, unchanged base first): chrX-40074169-AC-A. GRCh37 (hg19) VCF-style: chrX-39933422-AC-A.
Other names: c.1176del, p.Lys392fs (NM_001123383.2, NM_001123384.2, NM_001437510.1 and 4 more transcripts); short protein forms K392fs.
Identifiers: ClinVar variation 4530160 (VCV004530160.1).
Genomic context (GRCh38, chrX:40,074,169, plus strand): 5'-TCTTCCGGGCATGCCCGGGCACTGGCTGGGCACCTTCGCCCCCTTCCGGAGCCTTGGGAT[AC>A]TTGCCATTGGAGAGCCTGGCCGCGGGGAACTCGCTGCTAACTGTCATGTATGGCTTTGAC-3'